The following is an entry in ClinVar:

ClinVar aggregate classification (germline): Uncertain significance (1 of 4 stars; one submission).

Conditions:
Familial focal epilepsy with variable foci (FPEVF). Identifiers: Orphanet 98820, MedGen C1858477, MONDO:0020310.

gnomAD v4.1: 9 of 1,545,048 alleles (0.00058%); highest among the groups gnomAD compares: Non-Finnish European, 0.00078%; no homozygotes.

Submission:

Labcorp Genetics (formerly Invitae), Labcorp
Classification: Uncertain significance for Familial focal epilepsy with variable foci. Last evaluated: 2024-05-21. Review status: criteria provided, single submitter. Criteria: Invitae Variant Classification Sherloc (09022015). Collection method: clinical testing. Allele origin: germline.
Comment: This sequence change replaces proline, which is neutral and non-polar, with leucine, which is neutral and non-polar, at codon 235 of the DEPDC5 protein (p.Pro235Leu). The frequency data for this variant in the population databases is considered unreliable, as metrics indicate poor data quality at this position in the gnomAD database. This variant has not been reported in the literature in individuals affected with DEPDC5-related conditions. Experimental studies and prediction algorithms are not available or were not evaluated, and the functional significance of this variant is currently unknown. In summary, the available evidence is currently insufficient to determine the role of this variant in disease. Therefore, it has been classified as a Variant of Uncertain Significance.

NM_001242896.3(DEPDC5):c.704C>T (p.Pro235Leu)

Gene: DEPDC5 (DEP domain containing 5, GATOR1 subcomplex subunit; plus strand). Cytogenetic location: 22q12.2.
Variant type: single nucleotide variant.
Coding change: c.704C>T on transcript NM_001242896.3 (MANE Select); coding-DNA position 704, C replaced by T.
Protein change: p.Pro235Leu; replaces proline 235 with leucine.
Molecular consequence: missense variant. On other transcripts: non-coding transcript variant (5).
Genome position (GRCh38, 1-based): chr22:31,792,754, C>T. VCF-style: chr22-31792754-C-T. GRCh37 (hg19) VCF-style: chr22-32188740-C-T.
Other names: c.704C>T, p.Pro235Leu (NM_001007188.4, NM_001136029.4, NM_001242897.2 and 7 more transcripts); c.620C>T, p.Pro207Leu (NM_001369901.1, NM_001369902.1); short protein forms P235L, P207L.
Identifiers: ClinVar variation 3718033 (VCV003718033.2).